The following is an entry in ClinVar:

ClinVar aggregate classification (germline): Uncertain significance (1 of 4 stars; one submission).

Conditions:
RASopathy. Also called: Noonan spectrum disorder; rasopathies. Identifiers: Orphanet 536391, MedGen C5555857, MONDO:0021060.

gnomAD v4.1: 2 of 1,552,188 alleles (0.00013%); highest among the groups gnomAD compares: Non-Finnish European, 0.00018%; no homozygotes.

Submission:

Labcorp Genetics (formerly Invitae), Labcorp
Classification: Uncertain significance for RASopathy. Last evaluated: 2025-03-10. Review status: criteria provided, single submitter. Criteria: Invitae Variant Classification Sherloc (09022015). Collection method: clinical testing. Allele origin: germline.
Comment: This sequence change replaces isoleucine, which is neutral and non-polar, with valine, which is neutral and non-polar, at codon 183 of the SOS1 protein (p.Ile183Val). This variant is not present in population databases (gnomAD no frequency). This variant has not been reported in the literature in individuals affected with SOS1-related conditions. Invitae Evidence Modeling of protein sequence and biophysical properties (such as structural, functional, and spatial information, amino acid conservation, physicochemical variation, residue mobility, and thermodynamic stability) has been performed for this missense variant. However, the output from this modeling did not meet the statistical confidence thresholds required to predict the impact of this variant on SOS1 protein function. In summary, the available evidence is currently insufficient to determine the role of this variant in disease. Therefore, it has been classified as a Variant of Uncertain Significance.

NM_005633.4(SOS1):c.547A>G (p.Ile183Val)

Gene: SOS1 (SOS Ras/Rac guanine nucleotide exchange factor 1; minus strand). Cytogenetic location: 2p22.1.
Variant type: single nucleotide variant.
Coding change: c.547A>G on transcript NM_005633.4 (MANE Select); coding-DNA position 547, A replaced by G.
Protein change: p.Ile183Val; replaces isoleucine 183 with valine.
Molecular consequence: missense variant.
Genome position (GRCh38, 1-based): chr2:39,054,787, T>C on the plus strand (A>G on the coding strand, the complement: SOS1 is on the minus strand). VCF-style: chr2-39054787-T-C. GRCh37 (hg19) VCF-style: chr2-39281928-T-C.
Other names: c.526A>G, p.Ile176Val (NM_001382394.1); c.547A>G, p.Ile183Val (NM_001382395.1); short protein forms I176V, I183V.
Identifiers: ClinVar variation 4747113 (VCV004747113.1).